The following is an entry in ClinVar:

NM_031229.4(RBCK1):c.994_999del (p.Cys332_Ser333del)

Gene: RBCK1 (RANBP2-type and C3HC4-type zinc finger containing 1; plus strand). Cytogenetic location: 20p13.
Variant type: Deletion.
Coding change: c.994_999del on transcript NM_031229.4 (MANE Select); coding-DNA positions 994 to 999, 6 bases deleted (TGCTCG; older notation c.994_999delTGCTCG).
Protein change: p.Cys332_Ser333del.
Molecular consequence: inframe deletion. On other transcripts: non-coding transcript variant (1).
Genome position (GRCh38, 1-based): chr20:422,203-422,208, TGCTCG deleted; deleting any 6 consecutive bases within chr20:422,199-422,208 gives the same sequence; the c. name uses the placement nearest the transcript's 3' end. VCF-style (leftmost placement, unchanged base first): chr20-422198-ACTCGTG-A. GRCh37 (hg19) VCF-style: chr20-402842-ACTCGTG-A.
Other names: c.484_489del, p.Cys162_Ser163del (NM_001323956.2, NM_001323958.2); c.868_873del, p.Cys290_Ser291del (NM_006462.6).
Identifiers: ClinVar variation 1686122 (VCV001686122.3), dbSNP rs2122282189, ClinGen allele CA2573156887.

ClinVar aggregate classification (germline): Conflicting classifications of pathogenicity. Review status: criteria provided, conflicting classifications (1 of 4 stars). 2 submissions from 2 submitters: Pathogenic (1); Uncertain significance (1). Last evaluated 2025-12-30.

Conditions:
Polyglucosan body myopathy type 1 (PGBM1). Also called: Polyglucosan body myopathy 1 with or without immunodeficiency; POLYGLUCOSAN BODY MYOPATHY WITHOUT IMMUNODEFICIENCY. Identifiers: Orphanet 329173, Orphanet 397937, MedGen C4014605, MONDO:0014389, OMIM 615895.

Submissions (2):

Dasa
Classification: Uncertain significance. Last evaluated: 2025-12-30. Review status: criteria provided, single submitter. Criteria: DASA Assertion Criteria. Collection method: clinical testing. Allele origin: germline.
Comment: NM_031229.4(RBCK1):c.994_999del (p.Cys332_Ser333del) is an in-frame deletion predicted to remove amino acids from cysteine at protein position 332 through serine at protein position 333 without shifting the reading frame. This variant is rare in population databases. The currently available literature and clinical evidence are not sufficient to establish a definitive association between this variant and the reported condition. Therefore, this variant is classified as a variant of uncertain significance.

Mendelics
Classification: Pathogenic for Polyglucosan body myopathy type 1. Last evaluated: 2022-05-04. Review status: criteria provided, single submitter. Criteria: Mendelics Assertion Criteria 2019. Collection method: clinical testing. Allele origin: germline.